The following is an entry in ClinVar:

NM_001199397.3(NEK1):c.343G>T (p.Ala115Ser)

Gene: NEK1 (NIMA related kinase 1; minus strand). Cytogenetic location: 4q33.
Variant type: single nucleotide variant.
Coding change: c.343G>T on transcript NM_001199397.3 (MANE Select); coding-DNA position 343, G replaced by T.
Protein change: p.Ala115Ser; replaces alanine 115 with serine.
Molecular consequence: missense variant. On other transcripts: non-coding transcript variant (2).
Genome position (GRCh38, 1-based): chr4:169,590,779, C>A on the plus strand (G>T on the coding strand, the complement: NEK1 is on the minus strand). VCF-style: chr4-169590779-C-A. GRCh37 (hg19) VCF-style: chr4-170511930-C-A.
Other names: c.343G>T, p.Ala115Ser (NM_001199398.3, NM_001199399.3, NM_001199400.3 and 7 more transcripts); short protein forms A115S.
Identifiers: ClinVar variation 3355470 (VCV003355470.1).
Genomic context (GRCh38, chr4:169,590,779, plus strand): 5'-AACATACCTGAGATTTAATGTCTCGATGAAGAATTTTTCTATCATGTACATGTTTCAGGG[C>A]CAAACATATCTGTACAAACCAGTCCAAAATCTAGGAAGAAAAATCAGATCTGTCAAGCCT-3'
Protein context (NP_001186326.1, residues 105-125): ILDWFVQICL[Ala115Ser]LKHVHDRKIL

ClinVar aggregate classification (germline): Uncertain significance (0 of 4 stars; one submission).

Conditions:
NEK1-related disorder. Also called: NEK1-related condition.

gnomAD v4.1: 19 of 1,598,578 alleles (0.0012%); highest among the groups gnomAD compares: Admixed American, 0.0017%; no homozygotes.

Submission:

PreventionGenetics, part of Exact Sciences
Classification: Uncertain significance for NEK1-related condition. Last evaluated: 2024-06-15. Review status: no assertion criteria provided. Collection method: clinical testing. Allele origin: germline.
Comment: The NEK1 c.343G>T variant is predicted to result in the amino acid substitution p.Ala115Ser. To our knowledge, this variant has not been reported in the literature. This variant is reported in 0.0030% of alleles in individuals of Latino descent in gnomAD. At this time, the clinical significance of this variant is uncertain due to the absence of conclusive functional and genetic evidence.